The following is an entry in ClinVar:

NM_003737.4(DCHS1):c.1493G>A (p.Arg498Gln)

Gene: DCHS1 (dachsous cadherin-related 1; minus strand). Cytogenetic location: 11p15.4.
Variant type: single nucleotide variant.
Coding change: c.1493G>A on transcript NM_003737.4 (MANE Select); coding-DNA position 1493, G replaced by A.
Protein change: p.Arg498Gln; replaces arginine 498 with glutamine.
Molecular consequence: missense variant.
Genome position (GRCh38, 1-based): chr11:6,640,121, C>T on the plus strand (G>A on the coding strand, the complement: DCHS1 is on the minus strand). VCF-style: chr11-6640121-C-T. GRCh37 (hg19) VCF-style: chr11-6661352-C-T.
Other names: short protein forms R498Q.
Identifiers: ClinVar variation 500346 (VCV000500346.40), dbSNP rs150834672, ClinGen allele CA5860957.

ClinVar aggregate classification (germline): Conflicting classifications of pathogenicity. Review status: criteria provided, conflicting classifications (1 of 4 stars). 8 submissions from 8 submitters: Uncertain significance (1); Likely benign (3). 4 of the submissions do not count toward it. Last evaluated 2026-01-27.

Conditions:
DCHS1-related disorder. Also called: DCHS1-related condition.

Allele frequency attached by ClinVar (database versions not stated): ESP Exome Variant Server 0.00054; 1000 Genomes Project 30x 0.00062; TOPMed 0.00080; ExAC 0.00130; gnomAD 0.00132 and 0.00142; 1000 Genomes Project 0.00040.
gnomAD v4.1: 2,385 of 1,613,510 alleles (0.15%); highest among the groups gnomAD compares: Non-Finnish European, 0.17%; 4 homozygotes.

Submissions (8):

Labcorp Genetics (formerly Invitae), Labcorp
Classification: Likely benign. Last evaluated: 2026-01-27. Review status: criteria provided, single submitter. Criteria: Invitae Variant Classification Sherloc (09022015). Collection method: clinical testing. Allele origin: germline.

CeGaT Center for Human Genetics Tuebingen
Classification: Likely benign. Last evaluated: 2026-01-01. Review status: criteria provided, single submitter. Criteria: CeGaT Center For Human Genetics Tuebingen Variant Classification Criteria Version 2. Collection method: clinical testing. Allele origin: germline. Affected: yes. Observed: 6 variant alleles.
Comment: DCHS1: BP4

GeneDx
Classification: Likely benign. Last evaluated: 2020-09-02. Review status: criteria provided, single submitter. Criteria: GeneDx Variant Classification Process June 2021. Collection method: clinical testing. Allele origin: germline. Affected: yes.
Comment: In silico analysis supports that this missense variant does not alter protein structure/function; Has not been previously published as pathogenic or benign to our knowledge

Eurofins Ntd Llc (ga)
Classification: Uncertain significance. Last evaluated: 2017-02-06. Review status: criteria provided, single submitter. Criteria: EGL Classification Definitions 2015. Collection method: clinical testing. Allele origin: germline. Observed: 1 variant allele, 1 heterozygote.

PreventionGenetics, part of Exact Sciences
Classification: Likely benign for DCHS1-related condition. Last evaluated: 2022-03-28. Review status: no assertion criteria provided. Collection method: clinical testing. Allele origin: germline. Not counted in ClinVar's aggregate classification.
Comment: This variant is classified as likely benign based on ACMG/AMP sequence variant interpretation guidelines (Richards et al. 2015 PMID: 25741868, with internal and published modifications).

Clinical Genetics DNA and cytogenetics Diagnostics Lab, Erasmus MC, Erasmus Medical Center
Classification: Likely benign. Review status: no assertion criteria provided. Collection method: clinical testing. Allele origin: germline. Affected: yes. Study: VKGL Data-share Consensus. Not counted in ClinVar's aggregate classification.

Genome Diagnostics Laboratory, University Medical Center Utrecht
Classification: Likely benign. Review status: no assertion criteria provided. Collection method: clinical testing. Allele origin: germline. Affected: yes. Study: VKGL Data-share Consensus. Not counted in ClinVar's aggregate classification.

Laboratory of Diagnostic Genome Analysis, Leiden University Medical Center (LUMC)
Classification: Likely benign. Review status: no assertion criteria provided. Collection method: clinical testing. Allele origin: germline. Affected: yes. Study: VKGL Data-share Consensus. Not counted in ClinVar's aggregate classification.